The following is an entry in ClinVar:

ClinVar aggregate classification (germline): Likely pathogenic (1 of 4 stars; one submission).

Conditions:
Autism spectrum disorder - epilepsy - arthrogryposis syndrome (AMRS). Identifiers: Orphanet 370943, MedGen C3809910, MONDO:0014248, OMIM 615553.

Submission:

Natera, Inc.
Classification: Likely pathogenic for Arthrogryposis, mental retardation, and seizures. Last evaluated: 2024-06-07. Review status: criteria provided, single submitter. Criteria: Natera Variant Classification Schema (03/2026). Collection method: clinical testing. Allele origin: germline.
Comment: The c.529_530del variant in SLC35A3 is a frameshift variant predicted to shift the reading frame beginning at codon 177 and leads to a stop codon 17 codons downstream. This variant is expected to result in nonsense mediated decay, truncation, or a dysfunctional protein product. This variant is rare in the general population with a frequency below the threshold expected for the associated phenotype(s). Given the available evidence, this variant is classified as Likely Pathogenic.

NM_012243.3(SLC35A3):c.529_530del (p.Met177fs)

Gene: SLC35A3 (solute carrier family 35 member A3; plus strand). Cytogenetic location: 1p21.2.
Variant type: Deletion.
Coding change: c.529_530del on transcript NM_012243.3 (MANE Select); coding-DNA positions 529 to 530, 2 bases deleted (AT; older notation c.529_530delAT).
Protein change: p.Met177fs; shifts the reading frame from methionine 177.
Molecular consequence: frameshift variant.
Genome position (GRCh38, 1-based): chr1:100,011,428-100,011,429, AT deleted. VCF-style (leftmost placement, unchanged base first): chr1-100011427-CAT-C. GRCh37 (hg19) VCF-style: chr1-100476983-CAT-C.
Other names: c.529_530del, p.Met177fs (NM_001271684.2, NM_001438725.1, NM_001438728.1); c.655_656del, p.Met219fs (NM_001271685.2); c.406_407del, p.Met136fs (NM_001437713.1, NM_001437717.1, NM_001438729.1); short protein forms M136fs, M177fs, M219fs.
Identifiers: ClinVar variation 4815558 (VCV004815558.1).
Genomic context (GRCh38, chr1:100,011,427, plus strand): 5'-GCCCTCAGATTCTCAGCTTGATTCTAAGGAACTTTCAGCTGGTTCTCAATTTGTAGGACT[CAT>C]GGCAGTTCTCACAGCATGTTTTTCAAGTGGCTTTGCTGGGGTTTACTTTGAGAAAATCTT-3'